The following is an entry in ClinVar:

ClinVar aggregate classification (germline): Uncertain significance (1 of 4 stars; one submission).

Conditions:
Familial thoracic aortic aneurysm and aortic dissection (TAAD). Also called: Thoracic aortic aneurysms and dissections. Identifiers: Orphanet 91387, MedGen C4707243, MONDO:0019625.

Submission:

All of Us Research Program, National Institutes of Health
Classification: Uncertain significance for Familial thoracic aortic aneurysm and aortic dissection. Last evaluated: 2023-04-03. Review status: criteria provided, single submitter. Criteria: ACMG Guidelines, 2015. Collection method: clinical testing. Allele origin: germline. Inheritance: Autosomal dominant inheritance. Observed: 1 variant allele, 1 heterozygote.
Comment: This missense variant replaces lysine with arginine at codon 409 of the MYH11 protein. Computational prediction suggests that this variant may have deleterious impact on protein structure and function (internally defined REVEL score threshold >= 0.7, PMID: 27666373). To our knowledge, functional studies have not been reported for this variant. This variant has not been reported in individuals affected with MYH11-related disorders in the literature. This variant has not been identified in the general population by the Genome Aggregation Database (gnomAD). The available evidence is insufficient to determine the role of this variant in disease conclusively. Therefore, this variant is classified as a Variant of Uncertain Significance.

This study involves interpretation of variants in research participants for the purpose of population health screening. Participant phenotype was not available at the time of variant classification. Additional details can be found in publication PMID: 35346344, PMCID: PMC8962531

NM_002474.3(MYH11):c.1205A>G (p.Lys402Arg)

Gene: MYH11 (myosin heavy chain 11; minus strand). Cytogenetic location: 16p13.11.
Variant type: single nucleotide variant.
Coding change: c.1205A>G on transcript NM_002474.3 (MANE Select); coding-DNA position 1205, A replaced by G.
Protein change: p.Lys402Arg; replaces lysine 402 with arginine.
Molecular consequence: missense variant.
Genome position (GRCh38, 1-based): chr16:15,760,583, T>C on the plus strand (A>G on the coding strand, the complement: MYH11 is on the minus strand). VCF-style: chr16-15760583-T-C. GRCh37 (hg19) VCF-style: chr16-15854440-T-C.
Other names: c.1205A>G, p.Lys402Arg (NM_022844.3); c.1226A>G, p.Lys409Arg (NM_001040113.2, NM_001040114.2); short protein forms K402R, K409R.
Identifiers: ClinVar variation 3070117 (VCV003070117.1), dbSNP rs2506412384, ClinGen allele CA394872935.